The following is an entry in ClinVar:

NM_016356.5(DCDC2):c.145A>C (p.Lys49Gln)

Genes: DCDC2 (doublecortin domain containing 2; minus strand), KAAG1 (kidney associated DCDC2 antisense RNA 1; plus strand). Cytogenetic location: 6p22.3.
Variant type: single nucleotide variant.
Coding change: c.145A>C on transcript NM_016356.5 (MANE Select); coding-DNA position 145, A replaced by C.
Protein change: p.Lys49Gln; replaces lysine 49 with glutamine.
Molecular consequence: missense variant. On other transcripts: non-coding transcript variant (1).
Genome position (GRCh38, 1-based): chr6:24,357,606, T>G on the plus strand (A>C on the coding strand, the complement: DCDC2 is on the minus strand). VCF-style: chr6-24357606-T-G. GRCh37 (hg19) VCF-style: chr6-24357834-T-G.
Other names: c.145A>C, p.Lys49Gln (NM_001195610.2); short protein forms K49Q.
Identifiers: ClinVar variation 3375847 (VCV003375847.1).

ClinVar aggregate classification (germline): Uncertain significance (1 of 4 stars; one submission).

gnomAD v4.1: 1 of 1,613,334 alleles (0.000062%); highest among the groups gnomAD compares: African/African-American, 0.0013%; no homozygotes.

Submission:

GeneDx
Classification: Uncertain significance. Last evaluated: 2024-04-26. Review status: criteria provided, single submitter. Criteria: GeneDx Variant Classification Process June 2021. Collection method: clinical testing. Allele origin: germline. Affected: yes.
Comment: Not observed at significant frequency in large population cohorts (gnomAD); In silico analysis indicates that this missense variant does not alter protein structure/function; Has not been previously published as pathogenic or benign to our knowledge